The following is an entry in ClinVar:

NM_022367.4(SEMA4A):c.914G>T (p.Arg305Leu)

Gene: SEMA4A (semaphorin 4A; plus strand). Cytogenetic location: 1q22.
Variant type: single nucleotide variant.
Coding change: c.914G>T on transcript NM_022367.4 (MANE Select); coding-DNA position 914, G replaced by T.
Protein change: p.Arg305Leu; replaces arginine 305 with leucine.
Molecular consequence: missense variant.
Genome position (GRCh38, 1-based): chr1:156,161,449, G>T. VCF-style: chr1-156161449-G-T. GRCh37 (hg19) VCF-style: chr1-156131240-G-T.
Other names: c.914G>T, p.Arg305Leu (NM_001193300.2, NM_001193301.2, NM_001370567.1); c.518G>T, p.Arg173Leu (NM_001193302.2); c.617G>T, p.Arg206Leu (NM_001370568.1); c.407G>T, p.Arg136Leu (NM_001370569.1, NM_001370571.1); short protein forms R136L, R173L, R206L, R305L.
Identifiers: ClinVar variation 1714721 (VCV001714721.5), dbSNP rs776179398, ClinGen allele CA342839422.

ClinVar aggregate classification (germline): Uncertain significance (1 of 4 stars; one submission).

gnomAD v4.1: 1 of 1,613,886 alleles (0.000062%); highest among the groups gnomAD compares: South Asian, 0.0011%; no homozygotes.

Submission:

Labcorp Genetics (formerly Invitae), Labcorp
Classification: Uncertain significance. Last evaluated: 2022-10-17. Review status: criteria provided, single submitter. Criteria: Invitae Variant Classification Sherloc (09022015). Collection method: clinical testing. Allele origin: germline.
Comment: In summary, the available evidence is currently insufficient to determine the role of this variant in disease. Therefore, it has been classified as a Variant of Uncertain Significance. Advanced modeling of protein sequence and biophysical properties (such as structural, functional, and spatial information, amino acid conservation, physicochemical variation, residue mobility, and thermodynamic stability) performed at Invitae indicates that this missense variant is not expected to disrupt SEMA4A protein function. This variant has not been reported in the literature in individuals affected with SEMA4A-related conditions. This variant is present in population databases (no rsID available, gnomAD 0.003%). This sequence change replaces arginine, which is basic and polar, with leucine, which is neutral and non-polar, at codon 305 of the SEMA4A protein (p.Arg305Leu).